The following is an entry in ClinVar:

NM_006514.4(SCN10A):c.5460T>C (p.Ser1820=)

Gene: SCN10A (sodium voltage-gated channel alpha subunit 10; minus strand). Cytogenetic location: 3p22.2.
Variant type: single nucleotide variant.
Coding change: c.5460T>C on transcript NM_006514.4 (MANE Select); coding-DNA position 5460, T replaced by C.
Protein change: p.Ser1820=; no amino-acid change (serine 1820 retained).
Molecular consequence: synonymous variant.
Genome position (GRCh38, 1-based): chr3:38,697,760, A>G on the plus strand (T>C on the coding strand, the complement: SCN10A is on the minus strand). VCF-style: chr3-38697760-A-G. GRCh37 (hg19) VCF-style: chr3-38739251-A-G.
Other names: c.5457T>C, p.Ser1819= (NM_001293306.2); c.5166T>C, p.Ser1722= (NM_001293307.2).
Identifiers: ClinVar variation 3054423 (VCV003054423.2), dbSNP rs2470550661, ClinGen allele CA433333816.

ClinVar aggregate classification (germline): Likely benign (0 of 4 stars; one submission).

Conditions:
SCN10A-related disorder. Also called: SCN10A-related condition.

Submission:

PreventionGenetics, part of Exact Sciences
Classification: Likely benign for SCN10A-related condition. Last evaluated: 2020-03-27. Review status: no assertion criteria provided. Collection method: clinical testing. Allele origin: germline.
Comment: This variant is classified as likely benign based on ACMG/AMP sequence variant interpretation guidelines (Richards et al. 2015 PMID: 25741868, with internal and published modifications).